The following is an entry in ClinVar:

ClinVar aggregate classification (germline): Likely benign (0 of 4 stars; one submission).

Conditions:
SYCE1-related disorder. Also called: SYCE1-related condition.

Allele frequency attached by ClinVar (database versions not stated): gnomAD 0.00014; TOPMed 0.00015; 1000 Genomes Project 30x 0.00016; 1000 Genomes Project 0.00020.
gnomAD v4.1: 220 of 1,614,096 alleles (0.014%); highest among the groups gnomAD compares: Admixed American, 0.062%; no homozygotes.

Submission:

PreventionGenetics, part of Exact Sciences
Classification: Likely benign for SYCE1-related condition. Last evaluated: 2019-06-07. Review status: no assertion criteria provided. Collection method: clinical testing. Allele origin: germline.
Comment: This variant is classified as likely benign based on ACMG/AMP sequence variant interpretation guidelines (Richards et al. 2015 PMID: 25741868, with internal and published modifications).

NM_001143764.3(SYCE1):c.374+8C>G

Gene: SYCE1 (synaptonemal complex central element protein 1; minus strand). Cytogenetic location: 10q26.3.
Variant type: single nucleotide variant.
Coding change: c.374+8C>G on transcript NM_001143764.3 (MANE Select); 8 bases into the intron after coding-DNA position 374, C replaced by G.
Molecular consequence: intron variant.
Genome position (GRCh38, 1-based): chr10:133,557,856, G>C on the plus strand (C>G on the coding strand, the complement: SYCE1 is on the minus strand). VCF-style: chr10-133557856-G-C. GRCh37 (hg19) VCF-style: chr10-135371360-G-C.
Other names: c.266+8C>G (NM_130784.4); c.374+8C>G (NM_001143763.2).
Identifiers: ClinVar variation 3044501 (VCV003044501.2), dbSNP rs181747128, ClinGen allele CA5768240.